The following is an entry in ClinVar:

ClinVar aggregate classification (germline): Likely benign. Review status: criteria provided, multiple submitters, no conflicts (2 of 4 stars). 2 submissions from 2 submitters: Likely benign (2). Last evaluated 2025-03-19.

Conditions:
SCLT1-related disorder. Also called: SCLT1-related condition.

Allele frequency attached by ClinVar (database versions not stated): gnomAD exomes below 0.00001; TOPMed 0.00001.
gnomAD v4.1: 1 of 1,612,062 alleles (0.000062%); highest among the groups gnomAD compares: Admixed American, 0.0017%; no homozygotes.

Submissions (2):

PreventionGenetics, part of Exact Sciences
Classification: Likely benign for SCLT1-related condition. Last evaluated: 2025-03-19. Review status: criteria provided, single submitter. Criteria: ACMG Guidelines, 2015. Collection method: clinical testing. Allele origin: germline.
Comment: This variant is classified as likely benign based on ACMG/AMP sequence variant interpretation guidelines (Richards et al. 2015 PMID: 25741868, with internal and published modifications).

Labcorp Genetics (formerly Invitae), Labcorp
Classification: Likely benign. Last evaluated: 2024-02-24. Review status: criteria provided, single submitter. Criteria: Invitae Variant Classification Sherloc (09022015). Collection method: clinical testing. Allele origin: germline.

NM_144643.4(SCLT1):c.304T>C (p.Leu102=)

Gene: SCLT1 (sodium channel and clathrin linker 1; minus strand). Cytogenetic location: 4q28.2.
Variant type: single nucleotide variant.
Coding change: c.304T>C on transcript NM_144643.4 (MANE Select); coding-DNA position 304, T replaced by C.
Protein change: p.Leu102=; no amino-acid change (leucine 102 retained).
Molecular consequence: synonymous variant.
Genome position (GRCh38, 1-based): chr4:129,003,863, A>G on the plus strand (T>C on the coding strand, the complement: SCLT1 is on the minus strand). VCF-style: chr4-129003863-A-G. GRCh37 (hg19) VCF-style: chr4-129925018-A-G.
Other names: c.304T>C (NM_144643.3).
Identifiers: ClinVar variation 1630786 (VCV001630786.9), dbSNP rs1172037967, ClinGen allele CA441229221.